The following is an entry in ClinVar:

ClinVar aggregate classification (germline): Likely benign. Review status: criteria provided, multiple submitters, no conflicts (2 of 4 stars). 2 submissions from 2 submitters: Likely benign (2). Last evaluated 2025-08-20.

Conditions:
Deficiency of aromatic-L-amino-acid decarboxylase. Also called: AADC DEFICIENCY; DDC DEFICIENCY; DOPA DECARBOXYLASE DEFICIENCY; Aromatic L-Amino Acid Decarboxylase Deficiency; Aromatic amino acid decarboxylase deficiency. Identifiers: Orphanet 35708, MedGen C1291564, MONDO:0012084, OMIM 608643.

Allele frequency attached by ClinVar (database versions not stated): ExAC 0.00001; gnomAD 0.00001.
gnomAD v4.1: 3 of 1,614,024 alleles (0.00019%); highest among the groups gnomAD compares: East Asian, 0.0022%; no homozygotes.

Submissions (2):

Labcorp Genetics (formerly Invitae), Labcorp
Classification: Likely benign for Deficiency of aromatic-L-amino-acid decarboxylase. Last evaluated: 2025-08-20. Review status: criteria provided, single submitter. Criteria: Invitae Variant Classification Sherloc (09022015). Collection method: clinical testing. Allele origin: germline.

CeGaT Center for Human Genetics Tuebingen
Classification: Likely benign. Last evaluated: 2023-03-01. Review status: criteria provided, single submitter. Criteria: CeGaT Center For Human Genetics Tuebingen Variant Classification Criteria Version 2. Collection method: clinical testing. Allele origin: germline. Affected: yes. Observed: 1 variant allele.
Comment: DDC: BP4, BP7

NM_001082971.2(DDC):c.474C>T (p.Ala158=)

Gene: DDC (dopa decarboxylase; minus strand). Cytogenetic location: 7p12.1.
Variant type: single nucleotide variant.
Coding change: c.474C>T on transcript NM_001082971.2 (MANE Select); coding-DNA position 474, C replaced by T.
Protein change: p.Ala158=; no amino-acid change (alanine 158 retained).
Molecular consequence: synonymous variant. On other transcripts: intron variant (1).
Genome position (GRCh38, 1-based): chr7:50,529,304, G>A on the plus strand (C>T on the coding strand, the complement: DDC is on the minus strand). VCF-style: chr7-50529304-G-A. GRCh37 (hg19) VCF-style: chr7-50597002-G-A.
Other names: c.474C>T, p.Ala158= (NM_000790.4, NM_001242887.2, NM_001242890.2); c.360C>T, p.Ala120= (NM_001242886.2); c.240C>T, p.Ala80= (NM_001242888.2); c.435+8556C>T (NM_001242889.2).
Identifiers: ClinVar variation 2657499 (VCV002657499.26), dbSNP rs765754221, ClinGen allele CA4262357.